The following is an entry in ClinVar:

NM_002941.4(ROBO1):c.4288C>T (p.Arg1430Ter)

Gene: ROBO1 (roundabout guidance receptor 1; minus strand). Cytogenetic location: 3p12.3.
Variant type: single nucleotide variant.
Coding change: c.4288C>T on transcript NM_002941.4 (MANE Select); coding-DNA position 4288, C replaced by T.
Protein change: p.Arg1430Ter; replaces arginine 1430 with a stop codon.
Molecular consequence: nonsense.
Genome position (GRCh38, 1-based): chr3:78,614,795, G>A on the plus strand (C>T on the coding strand, the complement: ROBO1 is on the minus strand). VCF-style: chr3-78614795-G-A. GRCh37 (hg19) VCF-style: chr3-78663945-G-A.
Other names: c.3988C>T, p.Arg1330Ter (NM_001145845.2); c.4153C>T, p.Arg1385Ter (NM_133631.4); short protein forms R1330*, R1385*, R1430*.
Identifiers: ClinVar variation 5036899 (VCV005036899.1).

ClinVar aggregate classification (germline): Likely pathogenic (1 of 4 stars; one submission).

gnomAD v4.1: 9 of 1,590,770 alleles (0.00057%); highest among the groups gnomAD compares: South Asian, 0.0011%; no homozygotes.

Submission:

GeneDx
Classification: Likely pathogenic. Last evaluated: 2026-04-23. Review status: criteria provided, single submitter. Criteria: GeneDx Variant Classification Process June 2021. Collection method: clinical testing. Allele origin: germline.
Comment: Nonsense variant predicted to result in protein truncation or nonsense mediated decay in a gene for which loss of function is a known mechanism of disease; Has not been previously published as pathogenic or benign to our knowledge